The following is an entry in ClinVar:

ClinVar aggregate classification (germline): Uncertain significance (1 of 4 stars; one submission).

Conditions:
Hypertrophic cardiomyopathy 14. Identifiers: MedGen C2750467, MONDO:0013197, OMIM 613251.

gnomAD v4.1: 1 of 1,613,154 alleles (0.000062%); highest among the groups gnomAD compares: Non-Finnish European, 0.000085%; no homozygotes.

Submission:

Labcorp Genetics (formerly Invitae), Labcorp
Classification: Uncertain significance for Hypertrophic cardiomyopathy 14. Last evaluated: 2024-11-24. Review status: criteria provided, single submitter. Criteria: Invitae Variant Classification Sherloc (09022015). Collection method: clinical testing. Allele origin: germline.
Comment: This sequence change replaces glutamic acid, which is acidic and polar, with glutamine, which is neutral and polar, at codon 1831 of the MYH6 protein (p.Glu1831Gln). This variant is not present in population databases (gnomAD no frequency). This variant has not been reported in the literature in individuals affected with MYH6-related conditions. Invitae Evidence Modeling of protein sequence and biophysical properties (such as structural, functional, and spatial information, amino acid conservation, physicochemical variation, residue mobility, and thermodynamic stability) indicates that this missense variant is expected to disrupt MYH6 protein function with a positive predictive value of 80%. In summary, the available evidence is currently insufficient to determine the role of this variant in disease. Therefore, it has been classified as a Variant of Uncertain Significance.

NM_002471.4(MYH6):c.5491G>C (p.Glu1831Gln)

Gene: MYH6 (myosin heavy chain 6; minus strand). Cytogenetic location: 14q11.2.
Variant type: single nucleotide variant.
Coding change: c.5491G>C on transcript NM_002471.4 (MANE Select); coding-DNA position 5491, G replaced by C.
Protein change: p.Glu1831Gln; replaces glutamic acid 1831 with glutamine.
Molecular consequence: missense variant.
Genome position (GRCh38, 1-based): chr14:23,384,516, C>G on the plus strand (G>C on the coding strand, the complement: MYH6 is on the minus strand). VCF-style: chr14-23384516-C-G. GRCh37 (hg19) VCF-style: chr14-23853725-C-G.
Other names: short protein forms E1831Q.
Identifiers: ClinVar variation 3670516 (VCV003670516.2).